The following is an entry in ClinVar:

NM_002528.7(NTHL1):c.348C>A (p.Pro116=)

Gene: NTHL1 (nth like DNA glycosylase 1; minus strand). Cytogenetic location: 16p13.3.
Variant type: single nucleotide variant.
Coding change: c.348C>A on transcript NM_002528.7 (MANE Select); coding-DNA position 348, C replaced by A.
Protein change: p.Pro116=; no amino-acid change (proline 116 retained).
Molecular consequence: synonymous variant. On other transcripts: intron variant (1).
Genome position (GRCh38, 1-based): chr16:2,046,134, G>T on the plus strand (C>A on the coding strand, the complement: NTHL1 is on the minus strand). VCF-style: chr16-2046134-G-T. GRCh37 (hg19) VCF-style: chr16-2096135-G-T.
Other names: c.348C>A, p.Pro116= (NM_001318193.2); c.24+146C>A (NM_001318194.2).
Identifiers: ClinVar variation 759538 (VCV000759538.42), dbSNP rs145185932, ClinGen allele CA7828315.
Genomic context (GRCh38, chr16:2,046,134, plus strand): 5'-ACAAGGACCTTGCTAAGATGGGGGGTCATCTGGGCAGATGGGGCCCCTGCCTACCTTTGG[G>T]GGGGCACTGGAGTCATAGCAGTGCTCAGTCCCCAGATGGTCCACAGGTGCATCCTTTTTG-3'
Protein context (NP_002519.2, residues 106-126): GTEHCYDSSA[Pro116=]PKVRRYQVLL

ClinVar aggregate classification (germline): Likely benign. Review status: criteria provided, multiple submitters, no conflicts (2 of 4 stars). 7 submissions from 7 submitters: Likely benign (6). 1 of the submissions does not count toward it. Last evaluated 2026-02-03.

Conditions:
NTHL1-related disorder. Also called: NTHL1-related conditions; NTHL1-related condition.
Hereditary cancer-predisposing syndrome. Also called: Hereditary Cancer Syndrome; Tumor predisposition; Hereditary neoplastic syndrome; Neoplastic Syndromes, Hereditary. Identifiers: Orphanet 140162, MedGen C0027672, MeSH D009386, MONDO:0015356.

Allele frequency attached by ClinVar (database versions not stated): TOPMed 0.00002; gnomAD 0.00004; ESP Exome Variant Server 0.00015.
gnomAD v4.1: 66 of 1,611,764 alleles (0.0041%); highest among the groups gnomAD compares: Non-Finnish European, 0.003%; no homozygotes.

Submissions (7):

Labcorp Genetics (formerly Invitae), Labcorp
Classification: Likely benign. Last evaluated: 2026-02-03. Review status: criteria provided, single submitter. Criteria: Invitae Variant Classification Sherloc (09022015). Collection method: clinical testing. Allele origin: germline.

Blueprint Genetics
Classification: Likely benign. Last evaluated: 2024-10-10. Review status: criteria provided, single submitter. Criteria: ACMG Guidelines, 2015. Collection method: clinical testing. Allele origin: germline.

CeGaT Center for Human Genetics Tuebingen
Classification: Likely benign. Last evaluated: 2024-01-01. Review status: criteria provided, single submitter. Criteria: CeGaT Center For Human Genetics Tuebingen Variant Classification Criteria Version 2. Collection method: clinical testing. Allele origin: germline. Affected: yes. Observed: 1 variant allele.
Comment: NTHL1: BP4, BP7

Sema4
Classification: Likely benign for Hereditary cancer-predisposing syndrome. Last evaluated: 2021-07-09. Review status: criteria provided, single submitter. Criteria: Sema4 Curation Guidelines. Collection method: curation. Allele origin: germline.

GeneDx
Classification: Likely benign. Last evaluated: 2019-10-23. Review status: criteria provided, single submitter. Criteria: GeneDx Variant Classification Process June 2021. Collection method: clinical testing. Allele origin: germline. Affected: yes.

Ambry Genetics
Classification: Likely benign for Hereditary cancer-predisposing syndrome. Last evaluated: 2018-10-11. Review status: criteria provided, single submitter. Criteria: Ambry Variant Classification Scheme 2023. Collection method: clinical testing. Allele origin: germline.

PreventionGenetics, part of Exact Sciences
Classification: Likely benign for NTHL1-related condition. Last evaluated: 2023-06-22. Review status: no assertion criteria provided. Collection method: clinical testing. Allele origin: germline. Not counted in ClinVar's aggregate classification.
Comment: This variant is classified as likely benign based on ACMG/AMP sequence variant interpretation guidelines (Richards et al. 2015 PMID: 25741868, with internal and published modifications).